The following is an entry in ClinVar:

NM_001283009.2(RTEL1):c.491G>C (p.Arg164Pro)

Genes: RTEL1 (regulator of telomere elongation helicase 1; plus strand), RTEL1-TNFRSF6B (RTEL1-TNFRSF6B readthrough (NMD candidate); plus strand). Cytogenetic location: 20q13.33.
Variant type: single nucleotide variant.
Coding change: c.491G>C on transcript NM_001283009.2 (MANE Select); coding-DNA position 491, G replaced by C.
Protein change: p.Arg164Pro; replaces arginine 164 with proline.
Molecular consequence: missense variant. On other transcripts: non-coding transcript variant (1), 5 prime UTR variant (1).
Genome position (GRCh38, 1-based): chr20:63,662,842, G>C. VCF-style: chr20-63662842-G-C. GRCh37 (hg19) VCF-style: chr20-62294195-G-C.
Other names: c.-179G>C (NM_001283010.1); c.491G>C, p.Arg164Pro (NM_016434.4); c.563G>C, p.Arg188Pro (NM_032957.5); short protein forms R164P, R188P.
Identifiers: ClinVar variation 3791136 (VCV003791136.1).
Genomic context (GRCh38, chr20:63,662,842, plus strand): 5'-CTTTCTTGGCCGTGCTTCAGCTGCGCACTCTGCCCTTCCTCCCACAGATCCACTTGTGCC[G>C]TAAGAAGGTGGCAAGTCGCTCCTGTCATTTCTACAACAACGTAGAAGGTACAAGCAGCTG-3'
Protein context (NP_001269938.1, residues 154-174): ESNHLQIHLC[Arg164Pro]KKVASRSCHF

ClinVar aggregate classification (germline): Uncertain significance (1 of 4 stars; one submission).

Conditions:
Inborn genetic diseases. Identifiers: MedGen C0950123, MeSH D030342.

gnomAD v4.1: 1 of 1,613,962 alleles (0.000062%); highest among the groups gnomAD compares: Non-Finnish European, 0.000085%; no homozygotes.

Submission:

Ambry Genetics
Classification: Uncertain significance for Inborn genetic diseases. Last evaluated: 2025-02-09. Review status: criteria provided, single submitter. Criteria: Ambry Variant Classification Scheme 2023. Collection method: clinical testing. Allele origin: germline.
Comment: The p.R164P variant (also known as c.491G>C), located in coding exon 5 of the RTEL1 gene, results from a G to C substitution at nucleotide position 491. The arginine at codon 164 is replaced by proline, an amino acid with dissimilar properties. This amino acid position is conserved. In addition, this alteration is predicted to be deleterious by in silico analysis. Based on the available evidence, the clinical significance of this variant remains unclear.